The following is an entry in ClinVar:

NM_032119.4(ADGRV1):c.3876C>A (p.Phe1292Leu)

Gene: ADGRV1 (adhesion G protein-coupled receptor V1; plus strand). Cytogenetic location: 5q14.3.
Variant type: single nucleotide variant.
Coding change: c.3876C>A on transcript NM_032119.4 (MANE Select); coding-DNA position 3876, C replaced by A.
Protein change: p.Phe1292Leu; replaces phenylalanine 1292 with leucine.
Molecular consequence: missense variant. On other transcripts: non-coding transcript variant (1).
Genome position (GRCh38, 1-based): chr5:90,653,450, C>A. VCF-style: chr5-90653450-C-A. GRCh37 (hg19) VCF-style: chr5-89949267-C-A.
Other names: short protein forms F1292L.
Identifiers: ClinVar variation 1385665 (VCV001385665.6), dbSNP rs2149466859, ClinGen allele CA360399530.

ClinVar aggregate classification (germline): Uncertain significance (1 of 4 stars; one submission).

Submission:

Labcorp Genetics (formerly Invitae), Labcorp
Classification: Uncertain significance. Last evaluated: 2021-10-10. Review status: criteria provided, single submitter. Criteria: Invitae Variant Classification Sherloc (09022015). Collection method: clinical testing. Allele origin: germline.
Comment: In summary, the available evidence is currently insufficient to determine the role of this variant in disease. Therefore, it has been classified as a Variant of Uncertain Significance. Algorithms developed to predict the effect of missense changes on protein structure and function output the following: SIFT: "Tolerated"; PolyPhen-2: "Possibly Damaging"; Align-GVGD: "Class C0". The leucine amino acid residue is found in multiple mammalian species, which suggests that this missense change does not adversely affect protein function. This variant has not been reported in the literature in individuals affected with ADGRV1-related conditions. This variant is not present in population databases (ExAC no frequency). This sequence change replaces phenylalanine with leucine at codon 1292 of the ADGRV1 protein (p.Phe1292Leu). The phenylalanine residue is moderately conserved and there is a small physicochemical difference between phenylalanine and leucine.